The following is an entry in ClinVar:

NM_003356.4(UCP3):c.255G>A (p.Leu85=)

Gene: UCP3 (uncoupling protein 3; minus strand). Cytogenetic location: 11q13.4.
Variant type: single nucleotide variant.
Coding change: c.255G>A on transcript NM_003356.4 (MANE Select); coding-DNA position 255, G replaced by A.
Protein change: p.Leu85=; no amino-acid change (leucine 85 retained).
Molecular consequence: synonymous variant.
Genome position (GRCh38, 1-based): chr11:74,006,251, C>T on the plus strand (G>A on the coding strand, the complement: UCP3 is on the minus strand). VCF-style: chr11-74006251-C-T. GRCh37 (hg19) VCF-style: chr11-73717296-C-T.
Other names: c.255G>A, p.Leu85= (NM_022803.3).
Identifiers: ClinVar variation 4993699 (VCV004993699.1).

ClinVar aggregate classification (germline): Likely benign (1 of 4 stars; one submission).

Conditions:
UCP3-related disorder. Also called: UCP3-related condition.

Submission:

PreventionGenetics, part of Exact Sciences
Classification: Likely benign for UCP3-related condition. Last evaluated: 2026-01-14. Review status: criteria provided, single submitter. Criteria: ACMG Guidelines, 2015. Collection method: clinical testing. Allele origin: germline.
Comment: This variant is classified as likely benign based on ACMG/AMP sequence variant interpretation guidelines (Richards et al. 2015 PMID: 25741868, with internal and published modifications).